The following is an entry in ClinVar:

NM_001136271.3(NKX2-6):c.86_87insT (p.Pro30fs)

Gene: NKX2-6 (NK2 homeobox 6; minus strand). Cytogenetic location: 8p21.2.
Variant type: Insertion.
Coding change: c.86_87insT on transcript NM_001136271.3 (MANE Select); coding-DNA positions 86 to 87, T inserted.
Protein change: p.Pro30fs; shifts the reading frame from proline 30.
Molecular consequence: frameshift variant.
Genome position: GRCh38 VCF-style: chr8-23706512-C-CA. GRCh37 (hg19) VCF-style: chr8-23564025-C-CA.
Other names: short protein forms P30fs.
Identifiers: ClinVar variation 2030140 (VCV002030140.4), dbSNP rs2486489661, ClinGen allele CA2580078082.
Genomic context (GRCh38, chr8:23,706,512, plus strand): 5'-CTCTGCGTCCATTCTCAGGTACTGAAAGTTTTCCGGGCTCTTCCGCACCCGCGGATGTGG[C>CA]GAAGCCGCGGGGCAGCTCCGCTCGCGCTCCAGTCGCAGGATGTCCTTGACCGAGAAGGGG-3'

ClinVar aggregate classification (germline): Uncertain significance (1 of 4 stars; one submission).

Conditions:
Conotruncal heart malformations (CTHM). Also called: Conotruncal heart malformations, variable. Identifiers: Orphanet 2445, Orphanet 3384, Orphanet 3426, MedGen C1857586, MONDO:0016581, OMIM 217095.

Submission:

Labcorp Genetics (formerly Invitae), Labcorp
Classification: Uncertain significance for Conotruncal heart malformations. Last evaluated: 2023-08-04. Review status: criteria provided, single submitter. Criteria: Invitae Variant Classification Sherloc (09022015). Collection method: clinical testing. Allele origin: germline.
Comment: In summary, the available evidence is currently insufficient to determine the role of this variant in disease. Therefore, it has been classified as a Variant of Uncertain Significance. Experimental studies and prediction algorithms are not available or were not evaluated, and the functional significance of this variant is currently unknown. ClinVar contains an entry for this variant (Variation ID: 2030140). This variant has not been reported in the literature in individuals affected with NKX2-6-related conditions. This variant is not present in population databases (gnomAD no frequency). This sequence change creates a premature translational stop signal (p.Pro30Alafs*35) in the NKX2-6 gene. It is expected to result in an absent or disrupted protein product. However, the current clinical and genetic evidence is not sufficient to establish whether loss-of-function variants in NKX2-6 cause disease.